The following is an entry in ClinVar:

NM_001211.6(BUB1B):c.2731G>C (p.Asp911His)

Genes: BUB1B (BUB1 mitotic checkpoint serine/threonine kinase B; plus strand), BUB1B-PAK6 (BUB1B-PAK6 readthrough; plus strand). Cytogenetic location: 15q15.1.
Variant type: single nucleotide variant.
Coding change: c.2731G>C on transcript NM_001211.6 (MANE Select); coding-DNA position 2731, G replaced by C.
Protein change: p.Asp911His; replaces aspartic acid 911 with histidine.
Molecular consequence: missense variant. On other transcripts: 5 prime UTR variant (2).
Genome position (GRCh38, 1-based): chr15:40,217,548, G>C. VCF-style: chr15-40217548-G-C. GRCh37 (hg19) VCF-style: chr15-40509749-G-C.
Other names: c.-320G>C (NM_001128628.3); c.-237G>C (NM_001128629.3); short protein forms D911H.
Identifiers: ClinVar variation 3826077 (VCV003826077.1).

ClinVar aggregate classification (germline): Uncertain significance (1 of 4 stars; one submission).

Conditions:
Inborn genetic diseases. Identifiers: MedGen C0950123, MeSH D030342.

gnomAD v4.1: 1 of 1,614,074 alleles (0.000062%); highest among the groups gnomAD compares: Non-Finnish European, 0.000085%; no homozygotes.

Submission:

Ambry Genetics
Classification: Uncertain significance for Inborn genetic diseases. Last evaluated: 2024-12-17. Review status: criteria provided, single submitter. Criteria: Ambry Variant Classification Scheme 2023. Collection method: clinical testing. Allele origin: germline.
Comment: The p.D911H variant (also known as c.2731G>C), located in coding exon 21 of the BUB1B gene, results from a G to C substitution at nucleotide position 2731. The aspartic acid at codon 911 is replaced by histidine, an amino acid with similar properties. This amino acid position is conserved. In addition, this alteration is predicted to be deleterious by in silico analysis. Based on the available evidence, the clinical significance of this variant remains unclear.